The following is an entry in ClinVar:

NM_004817.4(TJP2):c.3215A>G (p.Asp1072Gly)

Gene: TJP2 (tight junction protein 2; plus strand). Cytogenetic location: 9q21.11.
Variant type: single nucleotide variant.
Coding change: c.3215A>G on transcript NM_004817.4 (MANE Select); coding-DNA position 3215, A replaced by G.
Protein change: p.Asp1072Gly; replaces aspartic acid 1072 with glycine.
Molecular consequence: missense variant. On other transcripts: intron variant (3).
Genome position (GRCh38, 1-based): chr9:69,251,258, A>G. VCF-style: chr9-69251258-A-G. GRCh37 (hg19) VCF-style: chr9-71866174-A-G.
Other names: c.3116A>G, p.Asp1039Gly (NM_001170415.1); c.3308A>G, p.Asp1103Gly (NM_001170416.2); c.3140A>G, p.Asp1047Gly (NM_001369870.1); c.3146A>G, p.Asp1049Gly (NM_001369871.1); c.3104A>G, p.Asp1035Gly (NM_001369872.1); c.2891A>G, p.Asp964Gly (NM_001369873.1); c.3227A>G, p.Asp1076Gly (NM_001369875.1); c.2812-1557A>G (NM_001170414.2); and 2 more; short protein forms D1035G, D1039G, D1047G, D1049G, D1072G, D1076G, D1103G, D964G.
Identifiers: ClinVar variation 2574276 (VCV002574276.1), dbSNP rs779433681, ClinGen allele CA5073903.

ClinVar aggregate classification (germline): Uncertain significance (1 of 4 stars; one submission).

Allele frequency attached by ClinVar (database versions not stated): gnomAD exomes below 0.00001; TOPMed below 0.00001; gnomAD 0.00001; ExAC 0.00002.
gnomAD v4.1: 7 of 1,614,106 alleles (0.00043%); highest among the groups gnomAD compares: Admixed American, 0.0033%; no homozygotes.

Submission:

GeneDx
Classification: Uncertain significance. Last evaluated: 2023-01-30. Review status: criteria provided, single submitter. Criteria: GeneDx Variant Classification Process June 2021. Collection method: clinical testing. Allele origin: germline. Affected: yes.
Comment: In silico analysis supports that this missense variant has a deleterious effect on splicing; In silico analysis supports that this missense variant does not alter protein structure/function; Has not been previously published as pathogenic or benign to our knowledge